The following is an entry in ClinVar:

NM_014712.3(SETD1A):c.3536C>G (p.Pro1179Arg)

Gene: SETD1A (SET domain containing 1A, histone lysine methyltransferase; plus strand). Cytogenetic location: 16p11.2.
Variant type: single nucleotide variant.
Coding change: c.3536C>G on transcript NM_014712.3 (MANE Select); coding-DNA position 3536, C replaced by G.
Protein change: p.Pro1179Arg; replaces proline 1179 with arginine.
Molecular consequence: missense variant.
Genome position (GRCh38, 1-based): chr16:30,979,322, C>G. VCF-style: chr16-30979322-C-G. GRCh37 (hg19) VCF-style: chr16-30990643-C-G.
Other names: c.3536C>G (NM_014712.1); short protein forms P1179R.
Identifiers: ClinVar variation 1341789 (VCV001341789.2), dbSNP rs768567614, ClinGen allele CA8017307.

ClinVar aggregate classification (germline): Uncertain significance. Review status: criteria provided, multiple submitters, no conflicts (2 of 4 stars). 2 submissions from 2 submitters: Uncertain significance (2). Last evaluated 2024-08-28.

Conditions:
Inborn genetic diseases. Identifiers: MedGen C0950123, MeSH D030342.
Epilepsy, early-onset, with or without developmental delay. Identifiers: MedGen C5882670, MONDO:0030005, OMIM 618832.

gnomAD v4.1: 30 of 1,613,382 alleles (0.0019%); highest among the groups gnomAD compares: Admixed American, 0.005%; no homozygotes.

Submissions (2):

Ambry Genetics
Classification: Uncertain significance for Inborn genetic diseases. Last evaluated: 2024-08-28. Review status: criteria provided, single submitter. Criteria: Ambry Variant Classification Scheme 2023. Collection method: clinical testing. Allele origin: germline.

New York Genome Center
Classification: Uncertain significance for Epilepsy, early-onset, with or without developmental delay. Last evaluated: 2020-06-05. Review status: criteria provided, single submitter. Criteria: NYGC Assertion Criteria 2020. Collection method: clinical testing. Allele origin: germline. Observed: 1 heterozygote. Study: CSER-NYCKidSeq.
Comment: The heterozygous missense variant, p.Pro1179Arg, identified in SETD1A has not been reported in affected individuals in the literature. It is extremely rare in the gnomAD(v3) database(1 out of ~143,200 heterozygous alleles, no homozygotes). In silico tools provide conflicting interpretations about potential pathogenicity of this variant. Based on the available evidence, the heterozygous p.Pro1179Arg variant in the SETD1A is assessed as a variant of uncertain significance.